The following is an entry in ClinVar:

NM_000302.4(PLOD1):c.257A>G (p.Glu86Gly)

Gene: PLOD1 (procollagen-lysine,2-oxoglutarate 5-dioxygenase 1; plus strand). Cytogenetic location: 1p36.22.
Variant type: single nucleotide variant.
Coding change: c.257A>G on transcript NM_000302.4 (MANE Select); coding-DNA position 257, A replaced by G.
Protein change: p.Glu86Gly; replaces glutamic acid 86 with glycine.
Molecular consequence: missense variant.
Genome position (GRCh38, 1-based): chr1:11,949,861, A>G. VCF-style: chr1-11949861-A-G. GRCh37 (hg19) VCF-style: chr1-12009918-A-G.
Other names: c.398A>G, p.Glu133Gly (NM_001316320.2); c.257A>G (NM_000302.3); short protein forms E86G, E133G.
Identifiers: ClinVar variation 4763793 (VCV004763793.2).

ClinVar aggregate classification (germline): Uncertain significance. Review status: criteria provided, multiple submitters, no conflicts (2 of 4 stars). 2 submissions from 2 submitters: Uncertain significance (2). Last evaluated 2026-07-09.

Conditions:
Ehlers-Danlos syndrome, kyphoscoliotic type 1 (EDSKSCL1). Also called: EHLERS-DANLOS SYNDROME, TYPE VIA; Ehlers-Danlos syndrome, hydroxylysine-deficient; EHLERS-DANLOS SYNDROME, OCULAR-SCOLIOTIC TYPE; PLOD1-Related Kyphoscoliotic Ehlers-Danlos Syndrome. Identifiers: Orphanet 1900, MedGen C0268342, MONDO:0016002, OMIM 225400. Disease mechanism: loss of function.
Familial thoracic aortic aneurysm and aortic dissection (TAAD). Also called: Thoracic aortic aneurysms and dissections. Identifiers: Orphanet 91387, MedGen C4707243, MONDO:0019625.

gnomAD v4.1: 5 of 1,614,140 alleles (0.00031%); highest among the groups gnomAD compares: Middle Eastern, 0.016%; no homozygotes.

Submissions (2):

Ambry Genetics
Classification: Uncertain significance for Familial thoracic aortic aneurysm and aortic dissection. Last evaluated: 2026-07-09. Review status: criteria provided, single submitter. Criteria: Ambry Variant Classification Scheme 2023. Collection method: clinical testing. Allele origin: germline.
Comment: The p.E86G variant (also known as c.257A>G), located in coding exon 3 of the PLOD1 gene, results from an A to G substitution at nucleotide position 257. The glutamic acid at codon 86 is replaced by glycine, an amino acid with similar properties. This amino acid position is conserved. In addition, this alteration is predicted to be tolerated by in silico analysis. Based on the available evidence, the clinical significance of this variant remains unclear.

Labcorp Genetics (formerly Invitae), Labcorp
Classification: Uncertain significance for Ehlers-Danlos syndrome, kyphoscoliotic type 1. Last evaluated: 2025-08-30. Review status: criteria provided, single submitter. Criteria: Invitae Variant Classification Sherloc (09022015). Collection method: clinical testing. Allele origin: germline.
Comment: This sequence change replaces glutamic acid, which is acidic and polar, with glycine, which is neutral and non-polar, at codon 86 of the PLOD1 protein (p.Glu86Gly). This variant is not present in population databases (gnomAD no frequency). This variant has not been reported in the literature in individuals affected with PLOD1-related conditions. Invitae Evidence Modeling of protein sequence and biophysical properties (such as structural, functional, and spatial information, amino acid conservation, physicochemical variation, residue mobility, and thermodynamic stability) indicates that this missense variant is not expected to disrupt PLOD1 protein function with a negative predictive value of 95%. In summary, the available evidence is currently insufficient to determine the role of this variant in disease. Therefore, it has been classified as a Variant of Uncertain Significance.